The following is an entry in ClinVar:

ClinVar aggregate classification (germline): Likely pathogenic. Review status: criteria provided, multiple submitters, no conflicts (2 of 4 stars). 3 submissions from 3 submitters: Likely pathogenic (3). Last evaluated 2025-05-30.

Conditions:
Osteogenesis imperfecta type I (OI1). Also called: OI, TYPE I; OSTEOGENESIS IMPERFECTA TARDA; OSTEOGENESIS IMPERFECTA WITH BLUE SCLERAE; Osteogenesis imperfecta type 1; Lobstein's Disease; Lobstein disease. Identifiers: Orphanet 216796, Orphanet 666, MedGen C0023931, MONDO:0008146, OMIM 166200. Disease mechanism: loss of function.

Submissions (3):

Labcorp Genetics (formerly Invitae), Labcorp
Classification: Likely pathogenic for Osteogenesis imperfecta type I. Last evaluated: 2025-05-30. Review status: criteria provided, single submitter. Criteria: Invitae Variant Classification Sherloc (09022015). Collection method: clinical testing. Allele origin: germline.
Comment: This sequence change replaces glycine, which is neutral and non-polar, with valine, which is neutral and non-polar, at codon 215 of the COL1A1 protein (p.Gly215Val). This variant is not present in population databases (gnomAD no frequency). This variant has not been reported in the literature in individuals affected with COL1A1-related conditions. ClinVar contains an entry for this variant (Variation ID: 1029482). Experimental studies and prediction algorithms are not available or were not evaluated, and the functional significance of this variant is currently unknown. This variant disrupts the triple helix domain of COL1A1. Glycine residues within the Gly-Xaa-Yaa repeats of the triple helix domain are required for the structure and stability of fibrillar collagens (PMID: 7695699, 8218237, 19344236). In COL1A1, variants affecting these glycine residues are significantly enriched in individuals with disease (PMID: 9016532, 17078022) compared to the general population (ExAC). This variant disrupts the p.Gly215 amino acid residue in COL1A1. Other variant(s) that disrupt this residue have been observed in individuals with COL1A1-related conditions (PMID: 24311407, 27011056, 33070251, 35855989), which suggests that this may be a clinically significant amino acid residue. In summary, the currently available evidence indicates that the variant is pathogenic, but additional data are needed to prove that conclusively. Therefore, this variant has been classified as Likely Pathogenic.

Revvity Omics, Revvity
Classification: Likely pathogenic. Last evaluated: 2023-08-21. Review status: criteria provided, single submitter. Criteria: ACMG Guidelines, 2015. Collection method: clinical testing. Allele origin: germline.

Baylor Genetics
Classification: Likely pathogenic for Osteogenesis imperfecta type I. Last evaluated: 2020-05-05. Review status: criteria provided, single submitter. Criteria: ACMG Guidelines, 2015. Collection method: clinical testing. Allele origin: unknown. Affected: yes.
Comment: This variant was determined to be likely pathogenic according to ACMG Guidelines, 2015 [PMID:25741868].

Literature cited by the submitters: PubMed 7695699 (cited by Labcorp Genetics (formerly Invitae), Labcorp); PubMed 8218237 (cited by Labcorp Genetics (formerly Invitae), Labcorp); PubMed 19344236 (cited by Labcorp Genetics (formerly Invitae), Labcorp); PubMed 9016532 (cited by Labcorp Genetics (formerly Invitae), Labcorp); PubMed 17078022 (cited by Labcorp Genetics (formerly Invitae), Labcorp); PubMed 24311407 (cited by Labcorp Genetics (formerly Invitae), Labcorp); PubMed 27011056 (cited by Labcorp Genetics (formerly Invitae), Labcorp); PubMed 33070251 (cited by Labcorp Genetics (formerly Invitae), Labcorp); PubMed 35855989 (cited by Labcorp Genetics (formerly Invitae), Labcorp).

NM_000088.4(COL1A1):c.644G>T (p.Gly215Val)

Gene: COL1A1 (collagen type I alpha 1 chain; minus strand). Cytogenetic location: 17q21.33.
Variant type: single nucleotide variant.
Coding change: c.644G>T on transcript NM_000088.4 (MANE Select); coding-DNA position 644, G replaced by T.
Protein change: p.Gly215Val; replaces glycine 215 with valine.
Molecular consequence: missense variant.
Genome position (GRCh38, 1-based): chr17:50,197,784, C>A on the plus strand (G>T on the coding strand, the complement: COL1A1 is on the minus strand). VCF-style: chr17-50197784-C-A. GRCh37 (hg19) VCF-style: chr17-48275145-C-A.
Other names: short protein forms G215V.
Identifiers: ClinVar variation 1029482 (VCV001029482.3), dbSNP rs1907723511, ClinGen allele CA400224862.